The following is an entry in ClinVar:

ClinVar aggregate classification (germline): Likely benign. Review status: criteria provided, multiple submitters, no conflicts (2 of 4 stars). 2 submissions from 2 submitters: Likely benign (2). Last evaluated 2022-07-01.

Allele frequency attached by ClinVar (database versions not stated): gnomAD 0.00001; ExAC 0.00002; TOPMed 0.00002; gnomAD exomes 0.00005; ESP Exome Variant Server 0.00008.
gnomAD v4.1: 70 of 1,613,212 alleles (0.0043%); highest among the groups gnomAD compares: Non-Finnish European, 0.0056%; no homozygotes.

Submissions (2):

CeGaT Center for Human Genetics Tuebingen
Classification: Likely benign. Last evaluated: 2022-07-01. Review status: criteria provided, single submitter. Criteria: CeGaT Center For Human Genetics Tuebingen Variant Classification Criteria Version 2. Collection method: clinical testing. Allele origin: germline. Affected: yes. Observed: 1 variant allele.
Comment: CNOT3: BP4

Labcorp Genetics (formerly Invitae), Labcorp
Classification: Likely benign. Last evaluated: 2022-05-09. Review status: criteria provided, single submitter. Criteria: Invitae Variant Classification Sherloc (09022015). Collection method: clinical testing. Allele origin: germline.

NM_014516.4(CNOT3):c.489G>A (p.Gln163=)

Gene: CNOT3 (CCR4-NOT transcription complex subunit 3; plus strand). Cytogenetic location: 19q13.42.
Variant type: single nucleotide variant.
Coding change: c.489G>A on transcript NM_014516.4 (MANE Select); coding-DNA position 489, G replaced by A.
Protein change: p.Gln163=; no amino-acid change (glutamine 163 retained).
Molecular consequence: synonymous variant.
Genome position (GRCh38, 1-based): chr19:54,145,603, G>A. VCF-style: chr19-54145603-G-A. GRCh37 (hg19) VCF-style: chr19-54649339-G-A.
Identifiers: ClinVar variation 1978507 (VCV001978507.28), dbSNP rs371650779, ClinGen allele CA309339060.
Genomic context (GRCh38, chr19:54,145,603, plus strand): 5'-AGGGGCCAAGCAGGTGCTCTGCAGCCCCTGAGCCTGGCCCTGGGCTCGCCAGCAGAAGCA[G>A]GACCGGATTGAGGGCTTGAAGCGGCACATCGAGAAGCACCGCTACCACGTGCGCATGCTA-3'
Protein context (NP_055331.1, residues 153-173): TRKKKGDKDK[Gln163=]DRIEGLKRHI